The following is an entry in ClinVar:

ClinVar aggregate classification (germline): Uncertain significance (1 of 4 stars; one submission).

Conditions:
Autosomal dominant polycystic kidney disease. Identifiers: Orphanet 730, MedGen C0085413, MONDO:0004691.

Submission:

Labcorp Genetics (formerly Invitae), Labcorp
Classification: Uncertain significance for Autosomal dominant polycystic kidney disease. Last evaluated: 2022-03-18. Review status: criteria provided, single submitter. Criteria: Invitae Variant Classification Sherloc (09022015). Collection method: clinical testing. Allele origin: germline.
Comment: This sequence change replaces serine, which is neutral and polar, with threonine, which is neutral and polar, at codon 943 of the PKD2 protein (p.Ser943Thr). This variant is not present in population databases (gnomAD no frequency). This variant has not been reported in the literature in individuals affected with PKD2-related conditions. Algorithms developed to predict the effect of missense changes on protein structure and function output the following: SIFT: "Tolerated"; PolyPhen-2: "Benign"; Align-GVGD: "Class C0". The threonine amino acid residue is found in multiple mammalian species, which suggests that this missense change does not adversely affect protein function. In summary, the available evidence is currently insufficient to determine the role of this variant in disease. Therefore, it has been classified as a Variant of Uncertain Significance.

NM_000297.4(PKD2):c.2828G>C (p.Ser943Thr)

Gene: PKD2 (polycystin 2, transient receptor potential cation channel; plus strand). Cytogenetic location: 4q22.1.
Variant type: single nucleotide variant.
Coding change: c.2828G>C on transcript NM_000297.4 (MANE Select); coding-DNA position 2828, G replaced by C.
Protein change: p.Ser943Thr; replaces serine 943 with threonine.
Molecular consequence: missense variant. On other transcripts: non-coding transcript variant (1).
Genome position (GRCh38, 1-based): chr4:88,075,615, G>C. VCF-style: chr4-88075615-G-C. GRCh37 (hg19) VCF-style: chr4-88996767-G-C.
Other names: short protein forms S943T.
Identifiers: ClinVar variation 1473373 (VCV001473373.6), dbSNP rs2110151913, ClinGen allele CA357628835.